The following is an entry in ClinVar:

ClinVar aggregate classification (germline): Pathogenic (1 of 4 stars; one submission).

Conditions:
Epidermolysis bullosa simplex with nail dystrophy (EBS5D). Identifiers: MedGen C4225309, MONDO:0014661, OMIM 616487.
Epidermolysis bullosa simplex 5B, with muscular dystrophy (EBS5B). Also called: Epidermolysis bullosa simplex with muscular dystrophy; EPIDERMOLYSIS BULLOSA SIMPLEX AND LIMB-GIRDLE MUSCULAR DYSTROPHY. Identifiers: Orphanet 257, MedGen C2931072, MONDO:0009181, OMIM 226670.
Epidermolysis bullosa simplex, Ogna type (EBS5A). Also called: EPIDERMOLYSIS BULLOSA SIMPLEX 5A, OGNA TYPE; Pidermolysis bullosa simplex 5A, Ogna type. Identifiers: Orphanet 79401, MedGen C0432317, MONDO:0007555, OMIM 131950.
Epidermolysis bullosa simplex 5C, with pyloric atresia (EBS5C). Also called: PLEC-Related Epidermolysis Bullosa with Pyloric Atresia; Epidermolysis bullosa simplex with pyloric atresia; PLEC1-Related Epidermolysis Bullosa with Pyloric Atresia. Identifiers: Orphanet 158684, MedGen C2677349, MONDO:0012807, OMIM 612138.
Autosomal recessive limb-girdle muscular dystrophy type 2Q (LGMDR17). Also called: MUSCULAR DYSTROPHY, LIMB-GIRDLE, AUTOSOMAL RECESSIVE 17. Identifiers: Orphanet 254361, MedGen C3150989, MONDO:0013390, OMIM 613723.

Submission:

Labcorp Genetics (formerly Invitae), Labcorp
Classification: Pathogenic for Autosomal recessive limb-girdle muscular dystrophy type 2Q; Epidermolysis bullosa simplex, Ogna type; Epidermolysis bullosa simplex with nail dystrophy; Epidermolysis bullosa simplex 5C, with pyloric atresia; Epidermolysis bullosa simplex 5B, with muscular dystrophy. Last evaluated: 2022-07-30. Review status: criteria provided, single submitter. Criteria: Invitae Variant Classification Sherloc (09022015). Collection method: clinical testing. Allele origin: germline.
Comment: For these reasons, this variant has been classified as Pathogenic. This sequence change creates a premature translational stop signal (p.Gln3223*) in the PLEC gene. While this is not anticipated to result in nonsense mediated decay, it is expected to disrupt the last 1352 amino acid(s) of the PLEC protein. This variant is not present in population databases (gnomAD no frequency). This variant has not been reported in the literature in individuals affected with PLEC-related conditions. This variant disrupts a region of the PLEC protein in which other variant(s) (p.Lys4460*) have been determined to be pathogenic (PMID: 10652002). This suggests that this is a clinically significant region of the protein, and that variants that disrupt it are likely to be disease-causing.

Literature cited by the submitters: PubMed 10652002.

NM_201384.3(PLEC):c.9586C>T (p.Gln3196Ter)

Gene: PLEC (plectin; minus strand). Cytogenetic location: 8q24.3.
Variant type: single nucleotide variant.
Coding change: c.9586C>T on transcript NM_201384.3 (MANE Select); coding-DNA position 9586, C replaced by T.
Protein change: p.Gln3196Ter; replaces glutamine 3196 with a stop codon.
Molecular consequence: nonsense.
Genome position (GRCh38, 1-based): chr8:143,920,235, G>A on the plus strand (C>T on the coding strand, the complement: PLEC is on the minus strand). VCF-style: chr8-143920235-G-A. GRCh37 (hg19) VCF-style: chr8-144994403-G-A.
Other names: c.9667C>T, p.Gln3223Ter (NM_000445.5); c.6286C>T, p.Gln2096Ter (NM_001410941.1); c.9544C>T, p.Gln3182Ter (NM_201378.4); c.9520C>T, p.Gln3174Ter (NM_201379.3); c.9997C>T, p.Gln3333Ter (NM_201380.4); c.9490C>T, p.Gln3164Ter (NM_201381.3); c.9586C>T, p.Gln3196Ter (NM_201382.4); c.9598C>T, p.Gln3200Ter (NM_201383.3); short protein forms Q2096*, Q3164*, Q3182*, Q3223*, Q3174*, Q3196*, Q3333*, Q3200*.
Identifiers: ClinVar variation 1937497 (VCV001937497.5), dbSNP rs1554681111, ClinGen allele CA372507864.